The following is an entry in ClinVar:

NM_139276.3(STAT3):c.551-5C>A

Gene: STAT3 (signal transducer and activator of transcription 3; minus strand). Cytogenetic location: 17q21.2.
Variant type: single nucleotide variant.
Coding change: c.551-5C>A on transcript NM_139276.3 (MANE Select); 5 bases into the intron before coding-DNA position 551, C replaced by A.
Molecular consequence: intron variant.
Genome position (GRCh38, 1-based): chr17:42,337,862, G>T on the plus strand (C>A on the coding strand, the complement: STAT3 is on the minus strand). VCF-style: chr17-42337862-G-T. GRCh37 (hg19) VCF-style: chr17-40489880-G-T.
Other names: c.455-5C>A (NM_001384989.1); c.551-5C>A (NM_001384992.1, NM_001384984.1, NM_001369519.1 and 15 more transcripts); c.473-5C>A (NM_001384985.1).
Identifiers: ClinVar variation 2083879 (VCV002083879.4), dbSNP rs747407875, ClinGen allele CA2576274940.

ClinVar aggregate classification (germline): Uncertain significance (1 of 4 stars; one submission).

Conditions:
STAT3 gain of function. Identifiers: MedGen C4288261.
Hyper-IgE recurrent infection syndrome 1, autosomal dominant. Also called: JOB SYNDROME; Job's Syndrome; STAT3 Hyper IgE Syndrome; Hyper-IgE recurrent infection syndrome 1; HYPER-IgE SYNDROME 1, AUTOSOMAL DOMINANT, WITH RECURRENT INFECTIONS. Identifiers: Orphanet 2314, MedGen C2936739, MONDO:0007818, OMIM 147060.

Submission:

Labcorp Genetics (formerly Invitae), Labcorp
Classification: Uncertain significance for STAT3 gain of function; Hyper-IgE recurrent infection syndrome 1, autosomal dominant. Last evaluated: 2022-07-19. Review status: criteria provided, single submitter. Criteria: Invitae Variant Classification Sherloc (09022015). Collection method: clinical testing. Allele origin: germline.
Comment: In summary, the available evidence is currently insufficient to determine the role of this variant in disease. Therefore, it has been classified as a Variant of Uncertain Significance. Algorithms developed to predict the effect of sequence changes on RNA splicing suggest that this variant may create or strengthen a splice site. This variant has not been reported in the literature in individuals affected with STAT3-related conditions. This variant is not present in population databases (gnomAD no frequency). This sequence change falls in intron 6 of the STAT3 gene. It does not directly change the encoded amino acid sequence of the STAT3 protein.